The following is an entry in ClinVar:

NM_000548.5(TSC2):c.3321G>A (p.Glu1107=)

Gene: TSC2 (TSC complex subunit 2; plus strand). Cytogenetic location: 16p13.3.
Variant type: single nucleotide variant.
Coding change: c.3321G>A on transcript NM_000548.5 (MANE Select); coding-DNA position 3321, G replaced by A.
Protein change: p.Glu1107=; no amino-acid change (glutamic acid 1107 retained).
Molecular consequence: synonymous variant.
Genome position (GRCh38, 1-based): chr16:2,079,593, G>A. VCF-style: chr16-2079593-G-A. GRCh37 (hg19) VCF-style: chr16-2129594-G-A.
Other names: c.3321G>A, p.Glu1107= (NM_001114382.3); c.3081G>A, p.Glu1027= (NM_001318827.2); c.3045G>A, p.Glu1015= (NM_001318829.2); c.2589G>A, p.Glu863= (NM_001318831.2); c.3222G>A, p.Glu1074= (NM_001318832.2); c.3192G>A, p.Glu1064= (NM_001363528.2, NM_001370405.1, NM_021055.3); c.3189G>A, p.Glu1063= (NM_001370404.1, NM_001077183.3).
Identifiers: ClinVar variation 792645 (VCV000792645.15), dbSNP rs1596385920, ClinGen allele CA492955257.
Genomic context (GRCh38, chr16:2,079,593, plus strand): 5'-CTGTGCGTGGGATTCTCTTCTCAGCTCCAGCCCCGGGGTGCATGTGAGACAGACCAAGGA[G>A]GCGCCGGCCAAGCTGGAGTCCCAGGCTGGGCAGCAGGTGTCCCGTGGGGCCCGGGATCGG-3'
Protein context (NP_000539.2, residues 1097-1117): SPGVHVRQTK[Glu1107=]APAKLESQAG

ClinVar aggregate classification (germline): Benign/Likely benign. Review status: criteria provided, multiple submitters, no conflicts (2 of 4 stars). 5 submissions from 5 submitters: Benign (1); Likely benign (4). Last evaluated 2025-08-20.

Conditions:
Hereditary cancer-predisposing syndrome. Also called: Neoplastic Syndromes, Hereditary; Hereditary neoplastic syndrome; Tumor predisposition; Hereditary Cancer Syndrome. Identifiers: Orphanet 140162, MedGen C0027672, MeSH D009386, MONDO:0015356.
Tuberous sclerosis 2 (TSC2). Identifiers: Orphanet 805, MedGen C1860707, MONDO:0013199, OMIM 613254.
Tuberous sclerosis syndrome (TSC). Also called: Tuberous Sclerosis Complex; Tuberous sclerosis. Identifiers: Orphanet 805, MedGen C0041341, MONDO:0001734.

Allele frequency attached by ClinVar (database versions not stated): gnomAD exomes below 0.00001.
gnomAD v4.1: 1 of 1,611,694 alleles (0.000062%); highest among the groups gnomAD compares: Non-Finnish European, 0.000085%; no homozygotes.

Submissions (5):

Labcorp Genetics (formerly Invitae), Labcorp
Classification: Likely benign for Tuberous sclerosis 2. Last evaluated: 2025-08-20. Review status: criteria provided, single submitter. Criteria: Invitae Variant Classification Sherloc (09022015). Collection method: clinical testing. Allele origin: germline.

Myriad Genetics, Inc.
Classification: Benign for Tuberous sclerosis 2. Last evaluated: 2025-05-28. Review status: criteria provided, single submitter. Criteria: Myriad Autosomal Dominant, Autosomal Recessive and X-Linked Classification Criteria (2023). Collection method: clinical testing. Allele origin: unknown.
Comment: This variant is considered benign. This variant is a silent/synonymous amino acid change and it is not expected to impact splicing.

All of Us Research Program, National Institutes of Health
Classification: Likely benign for Tuberous sclerosis syndrome. Last evaluated: 2023-10-27. Review status: criteria provided, single submitter. Criteria: ACMG Guidelines, 2015. Collection method: clinical testing. Allele origin: germline. Inheritance: Autosomal dominant inheritance. Observed: 1 variant allele, 1 heterozygote.
Comment: This study involves interpretation of variants in research participants for the purpose of population health screening. Participant phenotype was not available at the time of variant classification. Additional details can be found in publication PMID: 35346344, PMCID: PMC8962531

Color Diagnostics, LLC DBA Color Health
Classification: Likely benign for Tuberous sclerosis syndrome. Last evaluated: 2022-09-30. Review status: criteria provided, single submitter. Criteria: ACMG Guidelines, 2015. Collection method: clinical testing. Allele origin: germline.

Ambry Genetics
Classification: Likely benign for Hereditary cancer-predisposing syndrome. Last evaluated: 2022-05-15. Review status: criteria provided, single submitter. Criteria: Ambry Variant Classification Scheme 2023. Collection method: clinical testing. Allele origin: germline.